The following is an entry in ClinVar:

NM_002796.3(PSMB4):c.767T>C (p.Ile256Thr)

Gene: PSMB4 (proteasome 20S subunit beta 4; plus strand). Cytogenetic location: 1q21.3.
Variant type: single nucleotide variant.
Coding change: c.767T>C on transcript NM_002796.3 (MANE Select); coding-DNA position 767, T replaced by C.
Protein change: p.Ile256Thr; replaces isoleucine 256 with threonine.
Molecular consequence: missense variant.
Genome position (GRCh38, 1-based): chr1:151,401,615, T>C. VCF-style: chr1-151401615-T-C. GRCh37 (hg19) VCF-style: chr1-151374091-T-C.
Other names: short protein forms I256T.
Identifiers: ClinVar variation 4694139 (VCV004694139.1).

ClinVar aggregate classification (germline): Uncertain significance (1 of 4 stars; one submission).

Submission:

Labcorp Genetics (formerly Invitae), Labcorp
Classification: Uncertain significance. Last evaluated: 2025-11-23. Review status: criteria provided, single submitter. Criteria: Invitae Variant Classification Sherloc (09022015). Collection method: clinical testing. Allele origin: germline.
Comment: This sequence change replaces isoleucine, which is neutral and non-polar, with threonine, which is neutral and polar, at codon 256 of the PSMB4 protein (p.Ile256Thr). This variant is not present in population databases (gnomAD no frequency). This variant has not been reported in the literature in individuals affected with PSMB4-related conditions. An algorithm developed to predict the effect of missense changes on protein structure and function (PolyPhen-2) suggests that this variant is likely to be disruptive. In summary, the available evidence is currently insufficient to determine the role of this variant in disease. Therefore, it has been classified as a Variant of Uncertain Significance.